The following is an entry in ClinVar:

ClinVar aggregate classification (germline): Uncertain significance (1 of 4 stars; one submission).

Conditions:
Congenital primary aphakia. Also called: Anterior segment dysgenesis 2, multiple subtypes; ANTERIOR SEGMENT DYSGENESIS 2. Identifiers: Orphanet 83461, MedGen C1853230, MONDO:0012456, OMIM 610256.
Anterior segment dysgenesis. Also called: Ocular anterior segment dysgenesis. Identifiers: Orphanet 88632, MedGen C1862839, MONDO:0019503, HP:0007700.

Submission:

Labcorp Genetics (formerly Invitae), Labcorp
Classification: Uncertain significance for Anterior segment dysgenesis; Congenital primary aphakia. Last evaluated: 2024-10-22. Review status: criteria provided, single submitter. Criteria: Invitae Variant Classification Sherloc (09022015). Collection method: clinical testing. Allele origin: germline.
Comment: This sequence change replaces glycine, which is neutral and non-polar, with serine, which is neutral and polar, at codon 158 of the FOXE3 protein (p.Gly158Ser). This variant is not present in population databases (gnomAD no frequency). This variant has not been reported in the literature in individuals affected with FOXE3-related conditions. Invitae Evidence Modeling of protein sequence and biophysical properties (such as structural, functional, and spatial information, amino acid conservation, physicochemical variation, residue mobility, and thermodynamic stability) has been performed for this missense variant. However, the output from this modeling did not meet the statistical confidence thresholds required to predict the impact of this variant on FOXE3 protein function. In summary, the available evidence is currently insufficient to determine the role of this variant in disease. Therefore, it has been classified as a Variant of Uncertain Significance.

NM_012186.3(FOXE3):c.472G>A (p.Gly158Ser)

Genes: FOXE3 (forkhead box E3; plus strand), LINC01389 (long independently transcribed non-coding RNA 1389; minus strand). Cytogenetic location: 1p33.
Variant type: single nucleotide variant.
Coding change: c.472G>A on transcript NM_012186.3 (MANE Select); coding-DNA position 472, G replaced by A.
Protein change: p.Gly158Ser; replaces glycine 158 with serine.
Molecular consequence: missense variant.
Genome position (GRCh38, 1-based): chr1:47,416,787, G>A. VCF-style: chr1-47416787-G-A. GRCh37 (hg19) VCF-style: chr1-47882459-G-A.
Other names: short protein forms G158S.
Identifiers: ClinVar variation 3764067 (VCV003764067.2).